The following is an entry in ClinVar:

ClinVar aggregate classification (germline): Uncertain significance (1 of 4 stars; one submission).

Allele frequency attached by ClinVar (database versions not stated): gnomAD exomes below 0.00001; ExAC 0.00001; gnomAD 0.00002; ESP Exome Variant Server 0.00008; TOPMed 0.00002.
gnomAD v4.1: 7 of 1,614,022 alleles (0.00043%); highest among the groups gnomAD compares: East Asian, 0.0022%; no homozygotes.

Submission:

Ambry Genetics
Classification: Uncertain significance. Last evaluated: 2025-11-20. Review status: criteria provided, single submitter. Criteria: Ambry Variant Classification Scheme 2023. Collection method: clinical testing. Allele origin: germline.
Comment: The p.R1531Q variant (also known as c.4592G>A), located in coding exon 40 of the KIF1B gene, results from a G to A substitution at nucleotide position 4592. The arginine at codon 1531 is replaced by glutamine, an amino acid with highly similar properties. This amino acid position is highly conserved in available vertebrate species. In addition, this alteration is predicted to be deleterious by in silico analysis. The evidence for this gene-disease relationship is limited; therefore, the clinical significance of this alteration is unclear.

NM_001365951.3(KIF1B):c.4730G>A (p.Arg1577Gln)

Gene: KIF1B (kinesin family member 1B; plus strand). Cytogenetic location: 1p36.22.
Variant type: single nucleotide variant.
Coding change: c.4730G>A on transcript NM_001365951.3 (MANE Select); coding-DNA position 4730, G replaced by A.
Protein change: p.Arg1577Gln; replaces arginine 1577 with glutamine.
Molecular consequence: missense variant.
Genome position (GRCh38, 1-based): chr1:10,365,626, G>A. VCF-style: chr1-10365626-G-A. GRCh37 (hg19) VCF-style: chr1-10425684-G-A.
Other names: c.4730G>A, p.Arg1577Gln (NM_001365952.1); c.4592G>A, p.Arg1531Gln (NM_015074.3); short protein forms R1577Q, R1531Q.
Identifiers: ClinVar variation 1741720 (VCV001741720.4), dbSNP rs375649183, ClinGen allele CA582154.